The following is an entry in ClinVar:

ClinVar aggregate classification (germline): Uncertain significance (1 of 4 stars; one submission).

Submission:

Labcorp Genetics (formerly Invitae), Labcorp
Classification: Uncertain significance. Last evaluated: 2024-01-11. Review status: criteria provided, single submitter. Criteria: Invitae Variant Classification Sherloc (09022015). Collection method: clinical testing. Allele origin: unknown.
Comment: This variant results in a copy number gain of the genomic region encompassing exon(s) 1 of the NTHL1 gene. This region includes the initiator codon of the gene. This copy number gain extends beyond the assayed region for this gene and therefore may encompass additional genes. As the precise location of this event is unknown, it may be in tandem or it may be located elsewhere in the genome. This variant has not been reported in the literature in individuals affected with NTHL1-related conditions. In summary, the available evidence is currently insufficient to determine the role of this variant in disease. Therefore, it has been classified as a Variant of Uncertain Significance.

NC_000016.9:g.(?_2097690)_(2100507_?)dup

Genes: NTHL1 (nth like DNA glycosylase 1; minus strand), TSC2 (TSC complex subunit 2; plus strand). Cytogenetic location: 16p13.3.
Variant type: Duplication.
Identifiers: ClinVar variation 3243634 (VCV003243634.1).